The following is an entry in ClinVar:

ClinVar aggregate classification (germline): Uncertain significance (1 of 4 stars; one submission).

Conditions:
Hereditary cancer-predisposing syndrome. Also called: Tumor predisposition; Hereditary Cancer Syndrome; Hereditary neoplastic syndrome; Neoplastic Syndromes, Hereditary. Identifiers: Orphanet 140162, MedGen C0027672, MeSH D009386, MONDO:0015356.

Submission:

Ambry Genetics
Classification: Uncertain significance for Hereditary cancer-predisposing syndrome. Last evaluated: 2024-04-27. Review status: criteria provided, single submitter. Criteria: Ambry Variant Classification Scheme 2023. Collection method: clinical testing. Allele origin: germline.
Comment: The p.D908G variant (also known as c.2723A>G), located in coding exon 20 of the KIT gene, results from an A to G substitution at nucleotide position 2723. The aspartic acid at codon 908 is replaced by glycine, an amino acid with similar properties. This amino acid position is conserved. In addition, the in silico prediction for this alteration is inconclusive. Based on the available evidence, the clinical significance of this variant remains unclear.

NM_000222.3(KIT):c.2723A>G (p.Asp908Gly)

Gene: KIT (KIT proto-oncogene, receptor tyrosine kinase; plus strand). Cytogenetic location: 4q12.
Variant type: single nucleotide variant.
Coding change: c.2723A>G on transcript NM_000222.3 (MANE Select); coding-DNA position 2723, A replaced by G.
Protein change: p.Asp908Gly; replaces aspartic acid 908 with glycine.
Molecular consequence: missense variant.
Genome position (GRCh38, 1-based): chr4:54,737,201, A>G. VCF-style: chr4-54737201-A-G. GRCh37 (hg19) VCF-style: chr4-55603367-A-G.
Other names: c.2720A>G, p.Asp907Gly (NM_001385285.1); c.2708A>G, p.Asp903Gly (NM_001385286.1); c.2714A>G, p.Asp905Gly (NM_001385288.1); c.2723A>G, p.Asp908Gly (NM_001385290.1); c.2711A>G, p.Asp904Gly (NM_001385292.1, NM_001093772.2); c.2726A>G, p.Asp909Gly (NM_001385284.1); short protein forms D904G, D908G, D903G, D907G, D905G, D909G.
Identifiers: ClinVar variation 3288753 (VCV003288753.1).